The following is an entry in ClinVar:

NM_001320752.2(STS):c.52G>A (p.Ala18Thr)

Gene: STS (steroid sulfatase; plus strand). Cytogenetic location: Xp22.31.
Variant type: single nucleotide variant.
Coding change: c.52G>A on transcript NM_001320752.2 (MANE Select); coding-DNA position 52, G replaced by A.
Protein change: p.Ala18Thr; replaces alanine 18 with threonine.
Molecular consequence: missense variant.
Genome position (GRCh38, 1-based): chrX:7,253,251, G>A. VCF-style: chrX-7253251-G-A. GRCh37 (hg19) VCF-style: chrX-7171292-G-A.
Other names: c.67G>A (NM_000351.5); c.52G>A, p.Ala18Thr (NM_000351.7, NM_001320753.2, NM_001320754.2); c.88G>A, p.Ala30Thr (NM_001320750.3, NM_001320751.2); short protein forms A30T, A18T.
Identifiers: ClinVar variation 779550 (VCV000779550.29), dbSNP rs377179856, ClinGen allele CA10341894.

ClinVar aggregate classification (germline): Benign/Likely benign. Review status: criteria provided, multiple submitters, no conflicts (2 of 4 stars). 3 submissions from 3 submitters: Benign (1); Likely benign (1). 1 of the submissions does not count toward it. Last evaluated 2023-02-01.

Conditions:
STS-related disorder. Also called: STS-related condition.

Allele frequency attached by ClinVar (database versions not stated): gnomAD exomes 0.00005 and 0.00010; TOPMed 0.00006; gnomAD 0.00007 and 0.00008; ExAC 0.00008; 1000 Genomes Project 30x 0.00021; 1000 Genomes Project 0.00026.
gnomAD v4.1: 79 of 1,209,400 alleles (0.0065%); highest among the groups gnomAD compares: East Asian, 0.065%; 1 homozygote.

Submissions (3):

CeGaT Center for Human Genetics Tuebingen
Classification: Likely benign. Last evaluated: 2023-02-01. Review status: criteria provided, single submitter. Criteria: CeGaT Center For Human Genetics Tuebingen Variant Classification Criteria Version 2. Collection method: clinical testing. Allele origin: germline. Affected: yes. Observed: 1 variant allele.
Comment: STS: BS2

Labcorp Genetics (formerly Invitae), Labcorp
Classification: Benign. Last evaluated: 2019-12-31. Review status: criteria provided, single submitter. Criteria: Invitae Variant Classification Sherloc (09022015). Collection method: clinical testing. Allele origin: germline.

PreventionGenetics, part of Exact Sciences
Classification: Likely benign for STS-related condition. Last evaluated: 2021-03-08. Review status: no assertion criteria provided. Collection method: clinical testing. Allele origin: germline. Not counted in ClinVar's aggregate classification.
Comment: This variant is classified as likely benign based on ACMG/AMP sequence variant interpretation guidelines (Richards et al. 2015 PMID: 25741868, with internal and published modifications).